The following is an entry in ClinVar:

ClinVar aggregate classification (germline): Conflicting classifications of pathogenicity. Review status: criteria provided, conflicting classifications (1 of 4 stars). 6 submissions from 4 submitters: Uncertain significance (3); Likely benign (2). 1 of the submissions does not count toward it. Last evaluated 2026-01-31.

Conditions:
Mastocytosis. Also called: Mast Cell Disease. Identifiers: Orphanet 98292, MedGen C0024899, MONDO:0007950, HP:0100495.
Gastrointestinal stromal tumor. Also called: Gastrointestinal stroma tumor; Gastrointestinal stromal tumor, somatic. Identifiers: Orphanet 44890, MedGen C0238198, MeSH D046152, MONDO:0011719, OMIM 606764, HP:0100723.
Hereditary cancer-predisposing syndrome. Also called: Neoplastic Syndromes, Hereditary; Hereditary Cancer Syndrome; Hereditary neoplastic syndrome; Tumor predisposition. Identifiers: Orphanet 140162, MedGen C0027672, MeSH D009386, MONDO:0015356.
KIT-related disorder. Also called: KIT-related condition.
Piebaldism. Also called: Piebald skin depigmentation. Identifiers: Orphanet 2884, MedGen C0080024, MONDO:0008244, OMIM 172800, HP:0007544.

Allele frequency attached by ClinVar (database versions not stated): gnomAD exomes 0.00004; ExAC 0.00006; gnomAD 0.00013 and 0.00014; ESP Exome Variant Server 0.00015; TOPMed 0.00021.
gnomAD v4.1: 49 of 1,613,084 alleles (0.003%); highest among the groups gnomAD compares: African/African-American, 0.041%; no homozygotes.

Submissions (6):

Labcorp Genetics (formerly Invitae), Labcorp
Classification: Likely benign for Gastrointestinal stromal tumor. Last evaluated: 2026-01-31. Review status: criteria provided, single submitter. Criteria: Invitae Variant Classification Sherloc (09022015). Collection method: clinical testing. Allele origin: germline.

Ambry Genetics
Classification: Likely benign for Hereditary cancer-predisposing syndrome. Last evaluated: 2024-03-20. Review status: criteria provided, single submitter. Criteria: Ambry Variant Classification Scheme 2023. Collection method: clinical testing. Allele origin: germline.

Illumina Laboratory Services, Illumina
Classification: Uncertain significance for Gastrointestinal stromal tumor. Last evaluated: 2018-01-12. Review status: criteria provided, single submitter. Criteria: ICSL Variant Classification Criteria 13 December 2019. Collection method: clinical testing. Allele origin: germline.

Illumina Laboratory Services, Illumina
Classification: Uncertain significance for Cutaneous mastocytosis. Last evaluated: 2018-01-12. Review status: criteria provided, single submitter. Criteria: ICSL Variant Classification Criteria 13 December 2019. Collection method: clinical testing. Allele origin: germline.

Illumina Laboratory Services, Illumina
Classification: Uncertain significance for Piebaldism. Last evaluated: 2018-01-12. Review status: criteria provided, single submitter. Criteria: ICSL Variant Classification Criteria 13 December 2019. Collection method: clinical testing. Allele origin: germline.

PreventionGenetics, part of Exact Sciences
Classification: Likely benign for KIT-related condition. Last evaluated: 2023-08-29. Review status: no assertion criteria provided. Collection method: clinical testing. Allele origin: germline. Not counted in ClinVar's aggregate classification.
Comment: This variant is classified as likely benign based on ACMG/AMP sequence variant interpretation guidelines (Richards et al. 2015 PMID: 25741868, with internal and published modifications).

NM_000222.3(KIT):c.2234-3C>T

Gene: KIT (KIT proto-oncogene, receptor tyrosine kinase; plus strand). Cytogenetic location: 4q12.
Variant type: single nucleotide variant.
Coding change: c.2234-3C>T on transcript NM_000222.3 (MANE Select); 3 bases into the intron before coding-DNA position 2234, C replaced by T.
Molecular consequence: intron variant.
Genome position (GRCh38, 1-based): chr4:54,731,868, C>T. VCF-style: chr4-54731868-C-T. GRCh37 (hg19) VCF-style: chr4-55598034-C-T.
Other names: c.2237-3C>T (NM_001385284.1); c.2234-3C>T (NM_001385290.1); c.2225-3C>T (NM_001385288.1); c.2222-3C>T (NM_001385292.1, NM_001093772.2); c.2231-3C>T (NM_001385285.1); c.2219-3C>T (NM_001385286.1).
Identifiers: ClinVar variation 409785 (VCV000409785.21), dbSNP rs370131461, ClinGen allele CA2923701.